The following is an entry in ClinVar:

ClinVar aggregate classification (germline): Conflicting classifications of pathogenicity. Review status: criteria provided, conflicting classifications (1 of 4 stars). 3 submissions from 3 submitters: Uncertain significance (2); Likely benign (1). Last evaluated 2025-12-19.

Conditions:
Succinate-semialdehyde dehydrogenase deficiency (SSADHD). Also called: Succinic Semialdehyde Dehydrogenase Deficiency; 4-HYDROXYBUTYRIC ACIDURIA; GABA METABOLIC DEFECT; SSADH DEFICIENCY. Identifiers: Orphanet 22, MedGen C0268631, MONDO:0010083, OMIM 271980.

Allele frequency attached by ClinVar (database versions not stated): ESP Exome Variant Server 0.00008; ExAC 0.00009; gnomAD 0.00009 and 0.00011; gnomAD exomes 0.00012 and 0.00016; 1000 Genomes Project 0.00020; 1000 Genomes Project 30x 0.00031.
gnomAD v4.1: 245 of 1,608,530 alleles (0.015%); highest among the groups gnomAD compares: Non-Finnish European, 0.019%; no homozygotes.

Submissions (3):

Labcorp Genetics (formerly Invitae), Labcorp
Classification: Likely benign for Succinate-semialdehyde dehydrogenase deficiency. Last evaluated: 2025-12-19. Review status: criteria provided, single submitter. Criteria: Invitae Variant Classification Sherloc (09022015). Collection method: clinical testing. Allele origin: germline.

GeneDx
Classification: Uncertain significance. Last evaluated: 2023-05-31. Review status: criteria provided, single submitter. Criteria: GeneDx Variant Classification Process June 2021. Collection method: clinical testing. Allele origin: germline. Affected: yes.
Comment: In silico analysis supports a deleterious effect on splicing; Has not been previously published as pathogenic or benign to our knowledge

Illumina Laboratory Services, Illumina
Classification: Uncertain significance for Succinate-semialdehyde dehydrogenase deficiency. Last evaluated: 2018-01-12. Review status: criteria provided, single submitter. Criteria: ICSL Variant Classification Criteria 13 December 2019. Collection method: clinical testing. Allele origin: germline.

NM_001080.3(ALDH5A1):c.727-13T>G

Gene: ALDH5A1 (aldehyde dehydrogenase 5 family member A1; plus strand). Cytogenetic location: 6p22.3.
Variant type: single nucleotide variant.
Coding change: c.727-13T>G on transcript NM_001080.3 (MANE Select); 13 bases into the intron before coding-DNA position 727, T replaced by G.
Molecular consequence: intron variant.
Genome position (GRCh38, 1-based): chr6:24,515,154, T>G. VCF-style: chr6-24515154-T-G. GRCh37 (hg19) VCF-style: chr6-24515382-T-G.
Other names: c.766-13T>G (NM_170740.1); c.727-5247T>G (NM_001368954.1).
Identifiers: ClinVar variation 904925 (VCV000904925.12), dbSNP rs187404409, ClinGen allele CA3656736.